The following is an entry in ClinVar:

ClinVar aggregate classification (germline): Uncertain significance (1 of 4 stars; one submission).

Submission:

Labcorp Genetics (formerly Invitae), Labcorp
Classification: Uncertain significance. Last evaluated: 2023-10-03. Review status: criteria provided, single submitter. Criteria: Invitae Variant Classification Sherloc (09022015). Collection method: clinical testing. Allele origin: germline.
Comment: This sequence change replaces alanine with threonine at codon 81 of the XRCC4 protein (p.Ala81Thr). The alanine residue is highly conserved and there is a small physicochemical difference between alanine and threonine. This variant is not present in population databases (gnomAD no frequency). This variant has not been reported in the literature in individuals affected with XRCC4-related conditions. ClinVar contains an entry for this variant (Variation ID: 1413081). Advanced modeling of protein sequence and biophysical properties (such as structural, functional, and spatial information, amino acid conservation, physicochemical variation, residue mobility, and thermodynamic stability) performed at Invitae indicates that this missense variant is not expected to disrupt XRCC4 protein function. In summary, the available evidence is currently insufficient to determine the role of this variant in disease. Therefore, it has been classified as a Variant of Uncertain Significance.

NM_003401.5(XRCC4):c.241G>A (p.Ala81Thr)

Gene: XRCC4 (X-ray repair cross complementing 4; plus strand). Cytogenetic location: 5q14.2.
Variant type: single nucleotide variant.
Coding change: c.241G>A on transcript NM_003401.5 (MANE Select); coding-DNA position 241, G replaced by A.
Protein change: p.Ala81Thr; replaces alanine 81 with threonine.
Molecular consequence: missense variant.
Genome position (GRCh38, 1-based): chr5:83,111,129, G>A. VCF-style: chr5-83111129-G-A. GRCh37 (hg19) VCF-style: chr5-82406948-G-A.
Other names: c.241G>A, p.Ala81Thr (NM_001318012.3, NM_001318013.2, NM_022406.5 and 1 more transcripts); short protein forms A81T.
Identifiers: ClinVar variation 1413081 (VCV001413081.6), dbSNP rs2112400629, ClinGen allele CA360357051.